The following is an entry in ClinVar:

ClinVar aggregate classification (germline): Conflicting classifications of pathogenicity. Review status: criteria provided, conflicting classifications (1 of 4 stars). 3 submissions from 3 submitters: Uncertain significance (2); Likely benign (1). Last evaluated 2025-11-25.

Conditions:
Hereditary cancer-predisposing syndrome. Also called: Hereditary neoplastic syndrome; Neoplastic Syndromes, Hereditary; Tumor predisposition; Hereditary Cancer Syndrome. Identifiers: Orphanet 140162, MedGen C0027672, MeSH D009386, MONDO:0015356.
Hereditary breast ovarian cancer syndrome. Also called: Hereditary breast and/or ovarian cancer syndrome; Hereditary breast and ovarian cancer syndrome; Hereditary breast and ovarian cancer syndrome (HBOC); Breast and ovarian cancer; BRCA1- and BRCA2-Associated Hereditary Breast and Ovarian Cancer; Hereditary breast and ovarian cancer. Identifiers: Orphanet 145, MedGen C0677776, MeSH D061325, MONDO:0003582. Disease mechanism: loss of function.

gnomAD v4.1: 1 of 1,614,106 alleles (0.000062%); highest among the groups gnomAD compares: Non-Finnish European, 0.000085%; no homozygotes.

Submissions (3):

Ambry Genetics
Classification: Uncertain significance for Hereditary cancer-predisposing syndrome. Last evaluated: 2025-11-25. Review status: criteria provided, single submitter. Criteria: Ambry Variant Classification Scheme 2023. Collection method: clinical testing. Allele origin: germline.
Comment: The p.L1186V variant (also known as c.3556C>G), located in coding exon 9 of the BRCA1 gene, results from a C to G substitution at nucleotide position 3556. The leucine at codon 1186 is replaced by valine, an amino acid with highly similar properties. This amino acid position is poorly conserved in available vertebrate species. In addition, this alteration is predicted to be tolerated by in silico analysis. Based on the available evidence, the clinical significance of this variant remains unclear.

Labcorp Genetics (formerly Invitae), Labcorp
Classification: Uncertain significance for Hereditary breast ovarian cancer syndrome. Last evaluated: 2024-03-06. Review status: criteria provided, single submitter. Criteria: Invitae Variant Classification Sherloc (09022015). Collection method: clinical testing. Allele origin: germline.
Comment: This sequence change replaces leucine, which is neutral and non-polar, with valine, which is neutral and non-polar, at codon 1186 of the BRCA1 protein (p.Leu1186Val). This variant is not present in population databases (gnomAD no frequency). This variant has not been reported in the literature in individuals affected with BRCA1-related conditions. ClinVar contains an entry for this variant (Variation ID: 1004786). Advanced modeling of protein sequence and biophysical properties (such as structural, functional, and spatial information, amino acid conservation, physicochemical variation, residue mobility, and thermodynamic stability) performed at Invitae indicates that this missense variant is not expected to disrupt BRCA1 protein function with a negative predictive value of 95%. In summary, the available evidence is currently insufficient to determine the role of this variant in disease. Therefore, it has been classified as a Variant of Uncertain Significance.

University of Washington Department of Laboratory Medicine, University of Washington
Classification: Likely benign for Hereditary cancer-predisposing syndrome. Last evaluated: 2023-03-23. Review status: criteria provided, single submitter. Criteria: Dines et al. (Genet Med. 2020). Collection method: curation. Allele origin: germline.
Comment: Missense variant in a coldspot region where missense variants are very unlikely to be pathogenic (PMID:31911673).

BRCA1 coldspot (exon 11 using historical exon numbering). Reclassification based on statistical prior probability

NM_007294.4(BRCA1):c.3556C>G (p.Leu1186Val)

Genes: BRCA1 (BRCA1 DNA repair associated; minus strand), LOC126862571 (BRD4-independent group 4 enhancer GRCh37_chr17:41243136-41244335; plus strand). Cytogenetic location: 17q21.31.
Variant type: single nucleotide variant.
Coding change: c.3556C>G on transcript NM_007294.4 (MANE Select); coding-DNA position 3556, C replaced by G.
Protein change: p.Leu1186Val; replaces leucine 1186 with valine.
Molecular consequence: missense variant. On other transcripts: intron variant (135).
Genome position (GRCh38, 1-based): chr17:43,091,975, G>C on the plus strand (C>G on the coding strand, the complement: BRCA1 is on the minus strand). VCF-style: chr17-43091975-G-C. GRCh37 (hg19) VCF-style: chr17-41243992-G-C.
Other names: c.3343C>G, p.Leu1115Val (NM_001407571.1, NM_001407853.1, NM_001407894.1 and 9 more transcripts); c.3556C>G, p.Leu1186Val (NM_001407581.1, NM_001407582.1, NM_001407583.1 and 30 more transcripts); c.3553C>G, p.Leu1185Val (NM_001407587.1, NM_001407590.1, NM_001407591.1 and 22 more transcripts); c.3547C>G, p.Leu1183Val (NM_001407646.1, NM_001407647.1); c.3433C>G, p.Leu1145Val (NM_001407648.1, NM_001407664.1, NM_001407665.1 and 19 more transcripts); c.3430C>G, p.Leu1144Val (NM_001407649.1, NM_001407670.1, NM_001407671.1 and 11 more transcripts); c.3478C>G, p.Leu1160Val (NM_001407653.1, NM_001407654.1, NM_001407655.1 and 4 more transcripts); c.3475C>G, p.Leu1159Val (NM_001407659.1, NM_001407660.1, NM_001407661.1 and 1 more transcripts); and 41 more; short protein forms L1139V, L1186V, L1074V, L1160V, L318V, L1058V, L1075V, L1119V.
Identifiers: ClinVar variation 1004786 (VCV001004786.13), dbSNP rs1555587505, ClinGen allele CA10594853.
Genomic context (GRCh38, chr17:43,091,975, plus strand): 5'-CCCCTCTTCGGTAACCCTGAGCCAAATGTGTATGGGTGAAAGGGCTAGGACTCCTGCTAA[G>C]CTCTCCTTTCTGGACGCTTTTGCTAAAAACAGCAGAACTTTCCTTAATGTCATTTTCAGC-3'
Protein context (NP_009225.1, residues 1176-1196): VFSKSVQKGE[Leu1186Val]SRSPSPFTHT